The following is an entry in ClinVar:

NM_182916.3(TRNT1):c.609-26T>C

Gene: TRNT1 (tRNA nucleotidyl transferase 1; plus strand). Cytogenetic location: 3p26.2.
Variant type: single nucleotide variant.
Coding change: c.609-26T>C on transcript NM_182916.3 (MANE Select); 26 bases into the intron before coding-DNA position 609, T replaced by C.
Molecular consequence: intron variant.
Genome position (GRCh38, 1-based): chr3:3,146,404, T>C. VCF-style: chr3-3146404-T-C. GRCh37 (hg19) VCF-style: chr3-3188088-T-C.
Other names: IVS5AS, T-C, -26; c.609-26T>C (NM_001367321.1, NM_001367323.1, NM_001367322.1 and 2 more transcripts).
Identifiers: ClinVar variation 234935 (VCV000234935.7), dbSNP rs876661299, ClinGen allele CA10581123.

ClinVar aggregate classification (germline): Pathogenic. Review status: criteria provided, multiple submitters, no conflicts (2 of 4 stars). 3 submissions from 3 submitters: Pathogenic (2). 1 of the submissions does not count toward it. Last evaluated 2026-04-07.

Conditions:
Retinitis pigmentosa and erythrocytic microcytosis (RPEM). Identifiers: MedGen C4310776, MONDO:0014850, OMIM 616959.
Congenital sideroblastic anemia-B-cell immunodeficiency-periodic fever-developmental delay syndrome. Also called: Sideroblastic anemia with B-cell immunodeficiency, periodic fevers, and developmental delay. Identifiers: Orphanet 369861, MedGen C4015172, MONDO:0014487, OMIM 616084.

Allele frequency attached by ClinVar (database versions not stated): gnomAD exomes below 0.00001 and 0.00001; TOPMed below 0.00001.
gnomAD v4.1: 4 of 1,583,894 alleles (0.00025%); highest among the groups gnomAD compares: Non-Finnish European, 0.00017%; no homozygotes.

Submissions (3):

GeneDx
Classification: Pathogenic. Last evaluated: 2026-04-07. Review status: criteria provided, single submitter. Criteria: GeneDx Variant Classification Process June 2021. Collection method: clinical testing. Allele origin: germline.
Comment: RNA studies demonstrate this variant results in abnormal splicing (PMID: 26494905); In silico analysis suggests that this variant does not alter splicing; Not observed at significant frequency in large population cohorts (gnomAD); This variant is associated with the following publications: (PMID: 28390992, 26494905, 34299348)

Labcorp Genetics (formerly Invitae), Labcorp
Classification: Pathogenic for Congenital sideroblastic anemia-B-cell immunodeficiency-periodic fever-developmental delay syndrome. Last evaluated: 2022-11-12. Review status: criteria provided, single submitter. Criteria: Invitae Variant Classification Sherloc (09022015). Collection method: clinical testing. Allele origin: germline.
Comment: Studies have shown that this variant is associated with altered splicing resulting in unknown protein product impact (PMID: 26494905). This sequence change falls in intron 5 of the TRNT1 gene. It does not directly change the encoded amino acid sequence of the TRNT1 protein. This variant is present in population databases (no rsID available, gnomAD 0.0009%). This variant has been observed in individual(s) with erythrocytic microcytosis and/or non-syndromic retinitis pigmentosa (PMID: 26494905). In at least one individual the data is consistent with being in trans (on the opposite chromosome) from a pathogenic variant. It has also been observed to segregate with disease in related individuals. ClinVar contains an entry for this variant (Variation ID: 234935). For these reasons, this variant has been classified as Pathogenic.

OMIM
Classification: Pathogenic for RETINITIS PIGMENTOSA AND ERYTHROCYTIC MICROCYTOSIS. Last evaluated: 2016-05-26. Review status: no assertion criteria provided. Collection method: literature only. Allele origin: germline. Not counted in ClinVar's aggregate classification.

Literature cited by the submitters: PubMed 26494905 (cited by Labcorp Genetics (formerly Invitae), Labcorp and OMIM).